The following is an entry in ClinVar:

NM_000426.4(LAMA2):c.820-4_820-3delinsAT

Gene: LAMA2 (laminin subunit alpha 2; plus strand). Cytogenetic location: 6q22.33.
Variant type: Indel.
Coding change: c.820-4_820-3delinsAT on transcript NM_000426.4 (MANE Select); 4 bases into the intron before coding-DNA position 820 through 3 bases into the intron before coding-DNA position 820, GC replaced by AT.
Molecular consequence: intron variant.
Genome position (GRCh38, 1-based): chr6:129,146,955-129,146,956, GC replaced by AT. VCF-style: chr6-129146955-GC-AT. GRCh37 (hg19) VCF-style: chr6-129468100-GC-AT.
Other names: c.820-4_820-3delinsAT (NM_001079823.2).
Identifiers: ClinVar variation 2126448 (VCV002126448.4), dbSNP rs2482595911, ClinGen allele CA2580074896.

ClinVar aggregate classification (germline): Uncertain significance (1 of 4 stars; one submission).

Conditions:
LAMA2-related muscular dystrophy (LAMA2-RD). Also called: Laminin alpha 2-related dystrophy. Identifiers: MedGen C5679788, MONDO:0100228.

Submission:

Labcorp Genetics (formerly Invitae), Labcorp
Classification: Uncertain significance for LAMA2-related muscular dystrophy. Last evaluated: 2022-08-16. Review status: criteria provided, single submitter. Criteria: Invitae Variant Classification Sherloc (09022015). Collection method: clinical testing. Allele origin: germline.
Comment: This sequence change falls in intron 5 of the LAMA2 gene. It does not directly change the encoded amino acid sequence of the LAMA2 protein. It affects a nucleotide within the consensus splice site. Information on the frequency of this variant in the gnomAD database is not available, as this variant may be reported differently in the database. This variant has not been reported in the literature in individuals affected with LAMA2-related conditions. Variants that disrupt the consensus splice site are a relatively common cause of aberrant splicing (PMID: 17576681, 9536098). Experimental studies and prediction algorithms are not available or were not evaluated, and the effect of this variant on mRNA splicing is currently unknown. In summary, the available evidence is currently insufficient to determine the role of this variant in disease. Therefore, it has been classified as a Variant of Uncertain Significance.

Literature cited by the submitters: PubMed 17576681; PubMed 9536098.